The following is an entry in ClinVar:

NM_152594.3(SPRED1):c.104G>A (p.Gly35Glu)

Gene: SPRED1 (sprouty related EVH1 domain containing 1; plus strand). Cytogenetic location: 15q14.
Variant type: single nucleotide variant.
Coding change: c.104G>A on transcript NM_152594.3 (MANE Select); coding-DNA position 104, G replaced by A.
Protein change: p.Gly35Glu; replaces glycine 35 with glutamic acid.
Molecular consequence: missense variant.
Genome position (GRCh38, 1-based): chr15:38,299,444, G>A. VCF-style: chr15-38299444-G-A. GRCh37 (hg19) VCF-style: chr15-38591645-G-A.
Other names: c.104G>A (NM_152594.2); short protein forms G35E.
Identifiers: ClinVar variation 2761345 (VCV002761345.4), dbSNP rs2542660935, ClinGen allele CA391934076.

ClinVar aggregate classification (germline): Uncertain significance. Review status: criteria provided, multiple submitters, no conflicts (2 of 4 stars). 2 submissions from 2 submitters: Uncertain significance (2). Last evaluated 2026-08-15.

Conditions:
Cardiovascular phenotype. Identifiers: MedGen CN230736.
Legius syndrome. Identifiers: Orphanet 137605, MedGen C1969623, MONDO:0012669, OMIM 611431. Disease mechanism: loss of function.

Submissions (2):

Ambry Genetics
Classification: Uncertain significance for Cardiovascular phenotype. Last evaluated: 2026-08-15. Review status: criteria provided, single submitter. Criteria: Ambry Variant Classification Scheme 2023. Collection method: clinical testing. Allele origin: germline.
Comment: The p.G35E variant (also known as c.104G>A), located in coding exon 2 of the SPRED1 gene, results from a G to A substitution at nucleotide position 104. The glycine at codon 35 is replaced by glutamic acid, an amino acid with similar properties. This amino acid position is conserved. In addition, this alteration is predicted to be deleterious by in silico analysis. Based on the available evidence, the clinical significance of this variant remains unclear.

Labcorp Genetics (formerly Invitae), Labcorp
Classification: Uncertain significance for Legius syndrome. Last evaluated: 2023-09-25. Review status: criteria provided, single submitter. Criteria: Invitae Variant Classification Sherloc (09022015). Collection method: clinical testing. Allele origin: germline.
Comment: This variant has not been reported in the literature in individuals affected with SPRED1-related conditions. In summary, the available evidence is currently insufficient to determine the role of this variant in disease. Therefore, it has been classified as a Variant of Uncertain Significance. Advanced modeling of protein sequence and biophysical properties (such as structural, functional, and spatial information, amino acid conservation, physicochemical variation, residue mobility, and thermodynamic stability) performed at Invitae indicates that this missense variant is not expected to disrupt SPRED1 protein function. This variant is not present in population databases (gnomAD no frequency). This sequence change replaces glycine, which is neutral and non-polar, with glutamic acid, which is acidic and polar, at codon 35 of the SPRED1 protein (p.Gly35Glu).